The following is an entry in ClinVar:

NM_001042492.3(NF1):c.7513dup (p.Ala2505fs)

Gene: NF1 (neurofibromin 1; plus strand). Cytogenetic location: 17q11.2.
Variant type: Duplication.
Coding change: c.7513dup on transcript NM_001042492.3 (MANE Select); coding-DNA position 7513, one base duplicated (G; older notation c.7513dupG).
Protein change: p.Ala2505fs; shifts the reading frame from alanine 2505.
Molecular consequence: frameshift variant.
Genome position (GRCh38, 1-based): chr17:31,352,312, G duplicated. VCF-style (leftmost placement, unchanged base first): chr17-31352311-T-TG. GRCh37 (hg19) VCF-style: chr17-29679329-T-TG.
Other names: c.7450dup, p.Ala2484fs (NM_000267.4); short protein forms A2484fs, A2505fs.
Identifiers: ClinVar variation 4530424 (VCV004530424.1).

ClinVar aggregate classification (somatic clinical impact): Tier I - Strong (1 of 4 stars; one submission).

Conditions:
Glioma. Also called: Neuroglial tumor. Identifiers: Orphanet 182067, MedGen C0017638, MeSH D005910, MONDO:0021042, HP:0009733.

Submission:

Institute for Genomic Medicine (IGM) Clinical Laboratory, Nationwide Children's Hospital
Classification: Tier I - Strong for Glioma. Assertion type: diagnostic. Clinical significance: supports diagnosis. Last evaluated: 2023-03-20. Review status: criteria provided, single submitter. Criteria: AMP/ASCO/CAP Guidelines, 2017. Collection method: clinical testing. Allele origin: somatic. Affected: yes.
Comment: Variant has Tier I (strong) clinical significance as a diagnostic inclusion criterion in glioma, based on the following evidence: 1) Documented in one or more cancer databases (e.g., St. Jude Pecan, COSMIC, CIViC, OncoKB). 2) Appears in one or more well-established professional guidelines (e.g., World Health Organization [WHO]; National Comprehensive Cancer Network [NCCN]) as providing diagnostic, prognostic, or therapeutic information. 3) Diagnostic for a specific tumor type/classification based on well-powered studies with expert-level consensus (Evidence Level B).